The following is an entry in ClinVar:

ClinVar aggregate classification (germline): Conflicting classifications of pathogenicity. Review status: criteria provided, conflicting classifications (1 of 4 stars). 3 submissions from 3 submitters: Uncertain significance (1); Likely benign (2). Last evaluated 2024-09-24.

Conditions:
Charcot-Marie-Tooth disease type 2. Also called: Charcot-Marie-Tooth type 2. Identifiers: Orphanet 64746, MedGen C0270914, MONDO:0018993.
Primary dilated cardiomyopathy (DCM). Also called: Dilated Cardiomyopathy. Identifiers: Orphanet 217604, MedGen C0007193, MeSH D002311, MONDO:0005021, HP:0001644. Inheritance: Various modes of inheritance.

gnomAD v4.1: 17 of 1,613,246 alleles (0.0011%); highest among the groups gnomAD compares: Non-Finnish European, 0.0014%; no homozygotes.

Submissions (3):

Labcorp Genetics (formerly Invitae), Labcorp
Classification: Likely benign for Charcot-Marie-Tooth disease type 2. Last evaluated: 2024-09-24. Review status: criteria provided, single submitter. Criteria: Invitae Variant Classification Sherloc (09022015). Collection method: clinical testing. Allele origin: germline.

All of Us Research Program, National Institutes of Health
Classification: Uncertain significance for Primary dilated cardiomyopathy. Last evaluated: 2023-11-20. Review status: criteria provided, single submitter. Criteria: ACMG Guidelines, 2015. Collection method: clinical testing. Allele origin: germline. Inheritance: Autosomal dominant inheritance. Observed: 5 variant alleles, 5 heterozygotes.
Comment: This variant causes a C to A nucleotide substitution at the -6 position of intron 5 of the LMNA gene. To our knowledge, functional studies have not been reported for this variant. This variant has not been reported in individuals affected with LMNA-related disorders in the literature. This variant has not been identified in the general population by the Genome Aggregation Database (gnomAD). The available evidence is insufficient to determine the role of this variant in disease conclusively. Therefore, this variant is classified as a Variant of Uncertain Significance.

This study involves interpretation of variants in research participants for the purpose of population health screening. Participant phenotype was not available at the time of variant classification. Additional details can be found in publication PMID: 35346344, PMCID: PMC8962531

Blueprint Genetics
Classification: Likely benign. Last evaluated: 2023-09-27. Review status: criteria provided, single submitter. Criteria: ACMG Guidelines, 2015. Collection method: clinical testing. Allele origin: germline.

NM_170707.4(LMNA):c.937-6C>A

Gene: LMNA (lamin A/C; plus strand). Cytogenetic location: 1q22.
Variant type: single nucleotide variant.
Coding change: c.937-6C>A on transcript NM_170707.4 (MANE Select); 6 bases into the intron before coding-DNA position 937, C replaced by A.
Molecular consequence: intron variant.
Genome position (GRCh38, 1-based): chr1:156,135,895, C>A. VCF-style: chr1-156135895-C-A. GRCh37 (hg19) VCF-style: chr1-156105686-C-A.
Other names: c.937-6C>A (NM_001282625.2, NM_001282626.2, NM_170708.4 and 1 more transcripts); c.601-6C>A (NM_001257374.3); c.694-6C>A (NM_001282624.2).
Identifiers: ClinVar variation 1539205 (VCV001539205.10), dbSNP rs759083379, ClinGen allele CA31012909.